The following is an entry in ClinVar:

NM_000455.5(STK11):c.358G>A (p.Glu120Lys)

Gene: STK11 (serine/threonine kinase 11; plus strand). Cytogenetic location: 19p13.3.
Variant type: single nucleotide variant.
Coding change: c.358G>A on transcript NM_000455.5 (MANE Select); coding-DNA position 358, G replaced by A.
Protein change: p.Glu120Lys; replaces glutamic acid 120 with lysine.
Molecular consequence: missense variant.
Genome position (GRCh38, 1-based): chr19:1,218,484, G>A. VCF-style: chr19-1218484-G-A. GRCh37 (hg19) VCF-style: chr19-1218483-G-A.
Other names: short protein forms E120K.
Identifiers: ClinVar variation 490165 (VCV000490165.30), dbSNP rs775595174, ClinGen allele CA047186.

ClinVar aggregate classification (germline): Uncertain significance. Review status: criteria provided, multiple submitters, no conflicts (2 of 4 stars). 10 submissions from 9 submitters: Uncertain significance (10). Last evaluated 2025-07-29.

Conditions:
Hereditary cancer-predisposing syndrome. Also called: Tumor predisposition; Neoplastic Syndromes, Hereditary; Hereditary Cancer Syndrome; Hereditary neoplastic syndrome. Identifiers: Orphanet 140162, MedGen C0027672, MeSH D009386, MONDO:0015356.
Melanoma, cutaneous malignant, susceptibility to, 1 (CMM1). Also called: B-K MOLE SYNDROME; DYSPLASTIC NEVUS SYNDROME, HEREDITARY; FAMILIAL ATYPICAL MOLE-MALIGNANT MELANOMA SYNDROME; MELANOMA, MALIGNANT. Identifiers: Orphanet 618, MedGen C1835047, MONDO:0007963, OMIM 155600.
Carcinoma of pancreas. Also called: Pancreatic cancer, somatic; Pancreatic carcinoma, somatic; PANCREATIC ACINAR CARCINOMA; PANCREATIC CARCINOMA; Exocrine pancreatic carcinoma. Identifiers: Orphanet 1333, Orphanet 217074, MedGen C0235974, MONDO:0005192. Disease mechanism: loss of function.
Peutz-Jeghers syndrome (PJS). Also called: POLYPOSIS, HAMARTOMATOUS INTESTINAL; POLYPS-AND-SPOTS SYNDROME; Peutz-Jeghers polyposis; Periorificial lentiginosis syndrome. Identifiers: Orphanet 2869, MedGen C0031269, MeSH D010580, MONDO:0008280, OMIM 175200.

Allele frequency attached by ClinVar (database versions not stated): TOPMed below 0.00001; ExAC 0.00001; gnomAD 0.00001.
gnomAD v4.1: 5 of 1,613,442 alleles (0.00031%); highest among the groups gnomAD compares: African/African-American, 0.004%; no homozygotes.

Submissions (10):

Labcorp Genetics (formerly Invitae), Labcorp
Classification: Uncertain significance for Peutz-Jeghers syndrome. Last evaluated: 2025-07-29. Review status: criteria provided, single submitter. Criteria: Invitae Variant Classification Sherloc (09022015). Collection method: clinical testing. Allele origin: germline.
Comment: This sequence change replaces glutamic acid, which is acidic and polar, with lysine, which is basic and polar, at codon 120 of the STK11 protein (p.Glu120Lys). This variant is present in population databases (rs775595174, gnomAD 0.007%). This variant has not been reported in the literature in individuals affected with STK11-related conditions. ClinVar contains an entry for this variant (Variation ID: 490165). Invitae Evidence Modeling of protein sequence and biophysical properties (such as structural, functional, and spatial information, amino acid conservation, physicochemical variation, residue mobility, and thermodynamic stability) has been performed for this missense variant. However, the output from this modeling did not meet the statistical confidence thresholds required to predict the impact of this variant on STK11 protein function. In summary, the available evidence is currently insufficient to determine the role of this variant in disease. Therefore, it has been classified as a Variant of Uncertain Significance.

All of Us Research Program, National Institutes of Health
Classification: Uncertain significance for Peutz-Jeghers syndrome. Last evaluated: 2024-06-11. Review status: criteria provided, single submitter. Criteria: ACMG Guidelines, 2015. Collection method: clinical testing. Allele origin: germline. Inheritance: Autosomal dominant inheritance. Observed: 4 variant alleles, 4 heterozygotes.
Comment: This variant replaces glutamic acid with lysine at codon 120 of the STK11 protein. Computational prediction is inconclusive regarding the impact of this variant on protein structure and function (internally defined REVEL score threshold 0.5 < inconclusive < 0.7, PMID: 27666373). To our knowledge, functional studies have not been reported for this variant. This variant has not been reported in individuals affected with STK11-related disorders in the literature. This variant has been identified in 1/249088 chromosomes in the general population by the Genome Aggregation Database (gnomAD). The available evidence is insufficient to determine the role of this variant in disease conclusively. Therefore, this variant is classified as a Variant of Uncertain Significance.

This study involves interpretation of variants in research participants for the purpose of population health screening. Participant phenotype was not available at the time of variant classification. Additional details can be found in publication PMID: 35346344, PMCID: PMC8962531

Ambry Genetics
Classification: Uncertain significance for Hereditary cancer-predisposing syndrome. Last evaluated: 2024-05-29. Review status: criteria provided, single submitter. Criteria: Ambry Variant Classification Scheme 2023. Collection method: clinical testing. Allele origin: germline.
Comment: The p.E120K variant (also known as c.358G>A), located in coding exon 2 of the STK11 gene, results from a G to A substitution at nucleotide position 358. The glutamic acid at codon 120 is replaced by lysine, an amino acid with similar properties. This amino acid position is highly conserved in available vertebrate species. In addition, the in silico prediction for this alteration is inconclusive. Based on the available evidence, the clinical significance of this variant remains unclear.

Quest Diagnostics Nichols Institute San Juan Capistrano
Classification: Uncertain significance. Last evaluated: 2024-05-14. Review status: criteria provided, single submitter. Criteria: Quest Diagnostics criteria. Collection method: clinical testing. Allele origin: unknown.
Comment: The STK11 c.358G>A (p.Glu120Lys) variant has been reported in the published literature in in individuals with biliary tract cancer (PMID: 36243179 (2022)). This variant has also been identified in reportedly healthy individuals (PMID: 36243179 (2022), 33471991 (2021), see also LOVD). The frequency of this variant in the general population, 0.000004 (1/249088 chromosomes (Genome Aggregation Database)), is uninformative in the assessment of its pathogenicity. Analysis of this variant using bioinformatics tools for the prediction of the effect of amino acid changes on protein structure and function yielded conflicting predictions that this variant is deleterious or benign. Based on the available information, we are unable to determine the clinical significance of this variant.

Baylor Genetics
Classification: Uncertain significance for Melanoma, cutaneous malignant, susceptibility to, 1. Last evaluated: 2023-12-20. Review status: criteria provided, single submitter. Criteria: ACMG Guidelines, 2015. Collection method: clinical testing. Allele origin: unknown.

Color Diagnostics, LLC DBA Color Health
Classification: Uncertain significance for Hereditary cancer-predisposing syndrome. Last evaluated: 2023-09-29. Review status: criteria provided, single submitter. Criteria: ACMG Guidelines, 2015. Collection method: clinical testing. Allele origin: germline.
Comment: This variant replaces glutamic acid with lysine at codon 120 of the STK11 protein. Computational prediction is inconclusive regarding the impact of this variant on protein structure and function (internally defined REVEL score threshold 0.5 < inconclusive < 0.7, PMID: 27666373). To our knowledge, functional studies have not been reported for this variant. This variant has not been reported in individuals affected with STK11-related disorders in the literature. This variant has been identified in 1/249088 chromosomes in the general population by the Genome Aggregation Database (gnomAD). The available evidence is insufficient to determine the role of this variant in disease conclusively. Therefore, this variant is classified as a Variant of Uncertain Significance.

Women's Health and Genetics/Laboratory Corporation of America, LabCorp
Classification: Uncertain significance. Last evaluated: 2022-10-27. Review status: criteria provided, single submitter. Criteria: LabCorp Variant Classification Summary - May 2015. Collection method: clinical testing. Allele origin: germline.
Comment: Variant summary: STK11 c.358G>A (p.Glu120Lys) results in a conservative amino acid change located in the Protein kinase domain (IPR000719) of the encoded protein sequence. Three of five in-silico tools predict a benign effect of the variant on protein function. The variant allele was found at a frequency of 4e-06 in 249088 control chromosomes (gnomAD). The available data on variant occurrences in the general population are insufficient to allow any conclusion about variant significance. To our knowledge, no occurrence of c.358G>A in individuals affected with Peutz-Jeghers Syndrome and no experimental evidence demonstrating its impact on protein function have been reported. Five clinical diagnostic laboratories have submitted clinical-significance assessments for this variant to ClinVar after 2014 without evidence for independent evaluation. All laboratories classified the variant as uncertain significance. Based on the evidence outlined above, the variant was classified as uncertain significance.

GeneDx
Classification: Uncertain significance. Last evaluated: 2022-07-06. Review status: criteria provided, single submitter. Criteria: GeneDx Variant Classification Process June 2021. Collection method: clinical testing. Allele origin: germline. Affected: yes.
Comment: Not observed at significant frequency in large population cohorts (gnomAD); In silico analysis supports that this missense variant has a deleterious effect on protein structure/function; Has not been previously published as pathogenic or benign to our knowledge; This variant is associated with the following publications: (PMID: 15863673)

Genome-Nilou Lab
Classification: Uncertain significance for Peutz-Jeghers syndrome. Last evaluated: 2021-07-15. Review status: criteria provided, single submitter. Criteria: ACMG Guidelines, 2015. Collection method: clinical testing. Allele origin: germline. Affected: no.

Baylor Genetics
Classification: Uncertain significance for Familial pancreatic carcinoma. Last evaluated: 2020-01-07. Review status: criteria provided, single submitter. Criteria: ACMG Guidelines, 2015. Collection method: clinical testing. Allele origin: maternal. Affected: yes. Study: CSER-TexasKidsCanSeq.
Comment: This variant was determined to be of uncertain significance according to ACMG Guidelines, 2015 [PMID:25741868].

Literature cited by the submitters: PubMed 36243179 (cited by Quest Diagnostics Nichols Institute San Juan Capistrano); PubMed 33471991 (cited by Quest Diagnostics Nichols Institute San Juan Capistrano).